The following is an entry in ClinVar:

ClinVar aggregate classification (germline): Pathogenic/Likely pathogenic. Review status: criteria provided, multiple submitters, no conflicts (2 of 4 stars). 2 submissions from 2 submitters: Pathogenic (1); Likely pathogenic (1). Last evaluated 2025-10-24.

Conditions:
Epilepsy, familial adult myoclonic, 5 (EPEO5). Also called: CORTICAL MYOCLONIC TREMOR WITH EPILEPSY, FAMILIAL, 5. Identifiers: Orphanet 86814, MedGen C3809374, MONDO:0014167, OMIM 615400.

Allele frequency attached by ClinVar (database versions not stated): gnomAD exomes below 0.00001.
gnomAD v4.1: 4 of 1,613,768 alleles (0.00025%); highest among the groups gnomAD compares: Admixed American, 0.0033%; no homozygotes.

Submissions (2):

Labcorp Genetics (formerly Invitae), Labcorp
Classification: Pathogenic for Epilepsy, familial adult myoclonic, 5. Last evaluated: 2025-10-24. Review status: criteria provided, single submitter. Criteria: Invitae Variant Classification Sherloc (09022015). Collection method: clinical testing. Allele origin: germline.
Comment: This sequence change creates a premature translational stop signal (p.Arg140*) in the CNTN2 gene. It is expected to result in an absent or disrupted protein product. Loss-of-function variants in CNTN2 are known to be pathogenic (PMID: 11178983, 23518707). This variant is present in population databases (rs779892361, gnomAD 0.0009%). This variant has not been reported in the literature in individuals affected with CNTN2-related conditions. ClinVar contains an entry for this variant (Variation ID: 1939902). For these reasons, this variant has been classified as Pathogenic.

Revvity Omics, Revvity
Classification: Likely pathogenic for Epilepsy, familial adult myoclonic, 5. Last evaluated: 2024-02-02. Review status: criteria provided, single submitter. Criteria: ACMG Guidelines, 2015. Collection method: clinical testing. Allele origin: germline.

Literature cited by the submitters: PubMed 11178983 (cited by Labcorp Genetics (formerly Invitae), Labcorp); PubMed 23518707 (cited by Labcorp Genetics (formerly Invitae), Labcorp).

NM_005076.5(CNTN2):c.418C>T (p.Arg140Ter)

Gene: CNTN2 (contactin 2; plus strand). Cytogenetic location: 1q32.1.
Variant type: single nucleotide variant.
Coding change: c.418C>T on transcript NM_005076.5 (MANE Select); coding-DNA position 418, C replaced by T.
Protein change: p.Arg140Ter; replaces arginine 140 with a stop codon.
Molecular consequence: nonsense. On other transcripts: non-coding transcript variant (1).
Genome position (GRCh38, 1-based): chr1:205,058,594, C>T. VCF-style: chr1-205058594-C-T. GRCh37 (hg19) VCF-style: chr1-205027722-C-T.
Other names: c.418C>T, p.Arg140Ter (NM_001346083.2); c.418C>T (NM_005076.3); short protein forms R140*.
Identifiers: ClinVar variation 1939902 (VCV001939902.8), dbSNP rs779892361, ClinGen allele CA1351042.